The following is an entry in ClinVar:

ClinVar aggregate classification (germline): Pathogenic/Likely pathogenic. Review status: criteria provided, multiple submitters, no conflicts (2 of 4 stars). 2 submissions from 2 submitters: Pathogenic (1); Likely pathogenic (1). Last evaluated 2023-09-27.

Conditions:
Weiss-Kruszka syndrome. Also called: Metopic ridging-ptosis-facial dysmorphism syndrome. Identifiers: Orphanet 502430, MedGen C5568107, MONDO:0032836, OMIM 618619.
ZNF462-related disorder. Also called: ZNF462-related condition; ZNF462 related disease.

Submissions (2):

Blueprint Genetics
Classification: Likely pathogenic for ZNF462-related disorders. Last evaluated: 2023-09-27. Review status: criteria provided, single submitter. Criteria: ACMG Guidelines, 2015. Collection method: clinical testing. Allele origin: germline. Affected: yes. Observed: 1 variant allele.

Victorian Clinical Genetics Services, Murdoch Childrens Research Institute
Classification: Pathogenic for Weiss-Kruszka syndrome. Last evaluated: 2023-07-17. Review status: criteria provided, single submitter. Criteria: ACMG Guidelines, 2015. Collection method: clinical testing. Allele origin: germline. Inheritance: Autosomal dominant inheritance.
Comment: Based on the classification scheme VCGS_Germline_v1.3.4, this variant is classified as Pathogenic. Following criteria are met: 0102 - Loss of function is a known mechanism of disease in this gene and is associated with Weiss-Kruszka syndrome (MIM#618619). (I) 0107 - This gene is associated with autosomal dominant disease. (I) 0201 - Variant is predicted to cause nonsense-mediated decay (NMD) and loss of protein (premature termination codon is located at least 54 nucleotides upstream of the final exon-exon junction). (SP) 0251 - This variant is heterozygous. (I) 0301 - Variant is absent from gnomAD (both v2 and v3). (SP) 0701 - Other NMD-predicted variants comparable to the one identified in this case have very strong previous evidence for pathogenicity. Several of these have been reported in Weiss-Kruszka syndrome patients (ClinVar, PMID: 31361404). (SP) 0807 - This variant has no previous evidence of pathogenicity. (I) 0905 - No published segregation evidence has been identified for this variant. (I) 1007 - No published functional evidence has been identified for this variant. (SP) Legend: (SP) - Supporting pathogenic, (I) - Information, (SB) - Supporting benign

Literature cited by the submitters: PubMed 31361404 (cited by Victorian Clinical Genetics Services, Murdoch Childrens Research Institute).

NM_021224.6(ZNF462):c.1937_1940del (p.Asp646fs)

Gene: ZNF462 (zinc finger protein 462; plus strand). Cytogenetic location: 9q31.2.
Variant type: Microsatellite.
Coding change: c.1937_1940del on transcript NM_021224.6 (MANE Select); coding-DNA positions 1937 to 1940, 4 bases deleted (ACAG; older notation c.1937_1940delACAG).
Protein change: p.Asp646fs; shifts the reading frame from aspartic acid 646.
Molecular consequence: frameshift variant.
Genome position (GRCh38, 1-based): chr9:106,925,849-106,925,852, ACAG deleted; deleting any 4 consecutive bases within chr9:106,925,843-106,925,852 gives the same sequence; the c. name uses the placement nearest the transcript's 3' end. VCF-style (leftmost placement, unchanged base first): chr9-106925842-GAGAC-G. GRCh37 (hg19) VCF-style: chr9-109688123-GAGAC-G.
Other names: c.1937_1940del, p.Asp646fs (NM_001347997.2); short protein forms D646fs.
Identifiers: ClinVar variation 3254949 (VCV003254949.2), dbSNP rs2538744961.